The following is an entry in ClinVar:

ClinVar aggregate classification (germline): Uncertain significance (1 of 4 stars; one submission).

Conditions:
KBG syndrome (KBGS). Also called: ANKRD11-Related KBG Syndrome. Identifiers: Orphanet 2332, MedGen C0220687, MONDO:0007846, OMIM 148050.

Allele frequency attached by ClinVar (database versions not stated): TOPMed below 0.00001.

Submission:

Labcorp Genetics (formerly Invitae), Labcorp
Classification: Uncertain significance for KBG syndrome. Last evaluated: 2022-11-23. Review status: criteria provided, single submitter. Criteria: Invitae Variant Classification Sherloc (09022015). Collection method: clinical testing. Allele origin: germline.
Comment: This sequence change replaces serine, which is neutral and polar, with phenylalanine, which is neutral and non-polar, at codon 2496 of the ANKRD11 protein (p.Ser2496Phe). This variant is not present in population databases (gnomAD no frequency). This variant has not been reported in the literature in individuals affected with ANKRD11-related conditions. Advanced modeling of protein sequence and biophysical properties (such as structural, functional, and spatial information, amino acid conservation, physicochemical variation, residue mobility, and thermodynamic stability) has been performed at Invitae for this missense variant, however the output from this modeling did not meet the statistical confidence thresholds required to predict the impact of this variant on ANKRD11 protein function. In summary, the available evidence is currently insufficient to determine the role of this variant in disease. Therefore, it has been classified as a Variant of Uncertain Significance.

NM_013275.6(ANKRD11):c.7487C>T (p.Ser2496Phe)

Gene: ANKRD11 (ankyrin repeat domain 11; minus strand). Cytogenetic location: 16q24.3.
Variant type: single nucleotide variant.
Coding change: c.7487C>T on transcript NM_013275.6 (MANE Select); coding-DNA position 7487, C replaced by T.
Protein change: p.Ser2496Phe; replaces serine 2496 with phenylalanine.
Molecular consequence: missense variant.
Genome position (GRCh38, 1-based): chr16:89,275,175, G>A on the plus strand (C>T on the coding strand, the complement: ANKRD11 is on the minus strand). VCF-style: chr16-89275175-G-A. GRCh37 (hg19) VCF-style: chr16-89341583-G-A.
Other names: c.7487C>T, p.Ser2496Phe (NM_001256182.2, NM_001256183.2); short protein forms S2496F.
Identifiers: ClinVar variation 2957354 (VCV002957354.3), dbSNP rs1336341769, ClinGen allele CA397147947.
Genomic context (GRCh38, chr16:89,275,175, plus strand): 5'-CGCAGCTTTCCCCGGACGGCCTCCTGCTGCCTGAACAGCTCCTTCAGGGGCTCCGCCAGG[G>A]AGGGAGGGGGTGCGATCTACAGGCAAAAGGTGAGTGTGGGGGGTCAGCTGGGGCTGTGGA-3'
Protein context (NP_037407.4, residues 2486-2506): LHIPVIAPPP[Ser2496Phe]LAEPLKELFR